The following is an entry in ClinVar:

NM_001197104.2(KMT2A):c.3632A>G (p.Lys1211Arg)

Gene: KMT2A (lysine methyltransferase 2A; plus strand). Cytogenetic location: 11q23.3.
Variant type: single nucleotide variant.
Coding change: c.3632A>G on transcript NM_001197104.2 (MANE Select); coding-DNA position 3632, A replaced by G.
Protein change: p.Lys1211Arg; replaces lysine 1211 with arginine.
Molecular consequence: missense variant.
Genome position (GRCh38, 1-based): chr11:118,480,236, A>G. VCF-style: chr11-118480236-A-G. GRCh37 (hg19) VCF-style: chr11-118350951-A-G.
Other names: c.3632A>G, p.Lys1211Arg (NM_005933.4); short protein forms K1211R.
Identifiers: ClinVar variation 1397021 (VCV001397021.6), dbSNP rs2134293911, ClinGen allele CA382826576.

ClinVar aggregate classification (germline): Uncertain significance (1 of 4 stars; one submission).

Submission:

Labcorp Genetics (formerly Invitae), Labcorp
Classification: Uncertain significance. Last evaluated: 2021-12-14. Review status: criteria provided, single submitter. Criteria: Invitae Variant Classification Sherloc (09022015). Collection method: clinical testing. Allele origin: germline.
Comment: In summary, the available evidence is currently insufficient to determine the role of this variant in disease. Therefore, it has been classified as a Variant of Uncertain Significance. Algorithms developed to predict the effect of missense changes on protein structure and function are either unavailable or do not agree on the potential impact of this missense change (SIFT: "Tolerated"; PolyPhen-2: "Probably Damaging"; Align-GVGD: "Class C0"). This variant has not been reported in the literature in individuals affected with KMT2A-related conditions. This variant is not present in population databases (gnomAD no frequency). This sequence change replaces lysine, which is basic and polar, with arginine, which is basic and polar, at codon 1211 of the KMT2A protein (p.Lys1211Arg).